The following is an entry in ClinVar:

ClinVar aggregate classification (germline): Uncertain significance (1 of 4 stars; one submission).

Conditions:
Ehlers-Danlos syndrome, classic type, 1 (EDSCL1). Also called: EHLERS-DANLOS SYNDROME, GRAVIS TYPE; EHLERS-DANLOS SYNDROME, SEVERE CLASSIC TYPE; Ehlers-Danlos syndrome, type 1; Ehlers-Danlos Syndrome, Classic Type, COL5A1-Related; EDS I. Identifiers: MedGen C0268335, MONDO:0019567, OMIM 130000.

Allele frequency attached by ClinVar (database versions not stated): ExAC 0.00002.
gnomAD v4.1: 8 of 1,614,070 alleles (0.0005%); highest among the groups gnomAD compares: Non-Finnish European, 0.00068%; no homozygotes.

Submission:

Labcorp Genetics (formerly Invitae), Labcorp
Classification: Uncertain significance for Ehlers-Danlos syndrome, classic type, 1. Last evaluated: 2023-12-14. Review status: criteria provided, single submitter. Criteria: Invitae Variant Classification Sherloc (09022015). Collection method: clinical testing. Allele origin: germline.
Comment: This sequence change replaces aspartic acid, which is acidic and polar, with histidine, which is basic and polar, at codon 759 of the COL5A1 protein (p.Asp759His). This variant is present in population databases (rs762750454, gnomAD 0.002%). This variant has not been reported in the literature in individuals affected with COL5A1-related conditions. Advanced modeling of protein sequence and biophysical properties (such as structural, functional, and spatial information, amino acid conservation, physicochemical variation, residue mobility, and thermodynamic stability) has been performed at Invitae for this missense variant, however the output from this modeling did not meet the statistical confidence thresholds required to predict the impact of this variant on COL5A1 protein function. In summary, the available evidence is currently insufficient to determine the role of this variant in disease. Therefore, it has been classified as a Variant of Uncertain Significance.

NM_000093.5(COL5A1):c.2275G>C (p.Asp759His)

Gene: COL5A1 (collagen type V alpha 1 chain; plus strand). Cytogenetic location: 9q34.3.
Variant type: single nucleotide variant.
Coding change: c.2275G>C on transcript NM_000093.5 (MANE Select); coding-DNA position 2275, G replaced by C.
Protein change: p.Asp759His; replaces aspartic acid 759 with histidine.
Molecular consequence: missense variant.
Genome position (GRCh38, 1-based): chr9:134,768,452, G>C. VCF-style: chr9-134768452-G-C. GRCh37 (hg19) VCF-style: chr9-137660298-G-C.
Other names: c.2275G>C, p.Asp759His (NM_001278074.1); short protein forms D759H.
Identifiers: ClinVar variation 2742520 (VCV002742520.1), dbSNP rs762750454, ClinGen allele CA5319246.
Genomic context (GRCh38, chr9:134,768,452, plus strand): 5'-GTCTCTGGTTTGTTCTAGGGTCCCTTGGGGAAACCAGGCCTTCCAGGAATGCCCGGTGCT[G>C]ACGGACCCCCGGTGAGTAGCCCTGCCCACCTCATCCCTCCATACTCTCCCCACCTCCACC-3'
Protein context (NP_000084.3, residues 749-769): KPGLPGMPGA[Asp759His]GPPGHPGKEG